The following is an entry in ClinVar:

ClinVar aggregate classification (germline): Uncertain significance (1 of 4 stars; one submission).

Conditions:
Idiopathic generalized epilepsy. Also called: EIG; Generalised epilepsy. Identifiers: MedGen C0270850, MONDO:0005579, OMIM 600669.

Allele frequency attached by ClinVar (database versions not stated): gnomAD exomes below 0.00001.

Submission:

Labcorp Genetics (formerly Invitae), Labcorp
Classification: Uncertain significance for Idiopathic generalized epilepsy. Last evaluated: 2020-01-27. Review status: criteria provided, single submitter. Criteria: Invitae Variant Classification Sherloc (09022015). Collection method: clinical testing. Allele origin: germline.
Comment: In summary, the available evidence is currently insufficient to determine the role of this variant in disease. Therefore, it has been classified as a Variant of Uncertain Significance. Algorithms developed to predict the effect of missense changes on protein structure and function are either unavailable or do not agree on the potential impact of this missense change (SIFT: "Deleterious"; PolyPhen-2: "Probably Damaging"; Align-GVGD: "Class C15"). This variant has not been reported in the literature in individuals with GABRD-related conditions. This variant is not present in population databases (ExAC no frequency). This sequence change replaces arginine with cysteine at codon 114 of the GABRD protein (p.Arg114Cys). The arginine residue is highly conserved and there is a large physicochemical difference between arginine and cysteine.

NM_000815.5(GABRD):c.340C>T (p.Arg114Cys)

Gene: GABRD (gamma-aminobutyric acid type A receptor subunit delta; plus strand). Cytogenetic location: 1p36.33.
Variant type: single nucleotide variant.
Coding change: c.340C>T on transcript NM_000815.5 (MANE Select); coding-DNA position 340, C replaced by T.
Protein change: p.Arg114Cys; replaces arginine 114 with cysteine.
Molecular consequence: missense variant.
Genome position (GRCh38, 1-based): chr1:2,025,608, C>T. VCF-style: chr1-2025608-C-T. GRCh37 (hg19) VCF-style: chr1-1957047-C-T.
Other names: short protein forms R114C.
Identifiers: ClinVar variation 1044727 (VCV001044727.8), dbSNP rs1373382584, ClinGen allele CA337957104.